The following is an entry in ClinVar:

ClinVar aggregate classification (germline): Uncertain significance (1 of 4 stars; one submission).

Conditions:
Familial adenomatous polyposis 1 (FAP1). Also called: FAMILIAL ADENOMATOUS POLYPOSIS 1, ATTENUATED; POLYPOSIS, ADENOMATOUS INTESTINAL. Identifiers: MedGen C2713442, MONDO:0021056, OMIM 175100. Disease mechanism: loss of function.

Submission:

Labcorp Genetics (formerly Invitae), Labcorp
Classification: Uncertain significance for Familial adenomatous polyposis 1. Last evaluated: 2022-08-25. Review status: criteria provided, single submitter. Criteria: Invitae Variant Classification Sherloc (09022015). Collection method: clinical testing. Allele origin: germline.
Comment: This variant is not present in population databases (gnomAD no frequency). This variant has not been reported in the literature in individuals affected with APC-related conditions. Experimental studies and prediction algorithms are not available or were not evaluated, and the functional significance of this variant is currently unknown. In summary, the available evidence is currently insufficient to determine the role of this variant in disease. Therefore, it has been classified as a Variant of Uncertain Significance. This variant occurs in a non-coding region of the APC gene. It does not change the encoded amino acid sequence of the APC protein.

NM_001127511.3(APC):c.85G>A (p.Gly29Ser)

Gene: APC (APC regulator of Wnt signaling pathway; plus strand). Cytogenetic location: 5q22.2.
Variant type: single nucleotide variant.
Coding change: c.85G>A on transcript NM_001127511.3; coding-DNA position 85, G replaced by A.
Protein change: p.Gly29Ser; replaces glycine 29 with serine.
Molecular consequence: missense variant. On other transcripts: 5 prime UTR variant (8), non-coding transcript variant (1), intron variant (5).
Genome position (GRCh38, 1-based): chr5:112,707,802, G>A. VCF-style: chr5-112707802-G-A. GRCh37 (hg19) VCF-style: chr5-112043499-G-A.
Other names: c.-99G>A (NM_001354895.2, NM_001407447.1, NM_001407452.1 and 3 more transcripts); c.85G>A, p.Gly29Ser (NM_001354897.2, NM_001354902.2, NM_001407446.1); c.-1134G>A (NM_001407470.1, NM_001407472.1); c.-19+153G>A (NM_001407448.1, NM_001407450.1, NM_001407457.1 and 1 more transcripts); c.-43+153G>A (NM_001407453.1); short protein forms G29S.
Identifiers: ClinVar variation 1052927 (VCV001052927.7), dbSNP rs1580996980, ClinGen allele CA360611913.